The following is an entry in ClinVar:

ClinVar aggregate classification (germline): Uncertain significance (1 of 4 stars; one submission).

Conditions:
Charcot-Marie-Tooth disease type 4. Also called: Charcot-Marie-Tooth, Type 4; Charcot-Marie-Tooth disease, type IV. Identifiers: Orphanet 64749, MedGen C4082197, MONDO:0018995.

Submission:

Labcorp Genetics (formerly Invitae), Labcorp
Classification: Uncertain significance for Charcot-Marie-Tooth disease type 4. Last evaluated: 2017-04-29. Review status: criteria provided, single submitter. Criteria: Invitae Variant Classification Sherloc (09022015). Collection method: clinical testing. Allele origin: germline.
Comment: In summary, this variant is a novel missense change with uncertain impact on protein function. It has been classified as a Variant of Uncertain Significance. Algorithms developed to predict the effect of missense changes on protein structure and function do not agree on the potential impact of this missense change (SIFT: "Deleterious"; PolyPhen-2: "Probably Damaging"; Align-GVGD: "Class C15"). This variant is not present in population databases (ExAC no frequency) and has not been reported in the literature in individuals with a SH3TC2-related disease. This sequence change replaces leucine with phenylalanine at codon 533 of the SH3TC2 protein (p.Leu533Phe). The leucine residue is highly conserved and there is a small physicochemical difference between leucine and phenylalanine.

NM_024577.4(SH3TC2):c.1597C>T (p.Leu533Phe)

Gene: SH3TC2 (SH3 domain and tetratricopeptide repeats 2; minus strand). Cytogenetic location: 5q32.
Variant type: single nucleotide variant.
Coding change: c.1597C>T on transcript NM_024577.4 (MANE Select); coding-DNA position 1597, C replaced by T.
Protein change: p.Leu533Phe; replaces leucine 533 with phenylalanine.
Molecular consequence: missense variant.
Genome position (GRCh38, 1-based): chr5:149,028,135, G>A on the plus strand (C>T on the coding strand, the complement: SH3TC2 is on the minus strand). VCF-style: chr5-149028135-G-A. GRCh37 (hg19) VCF-style: chr5-148407698-G-A.
Other names: short protein forms L533F.
Identifiers: ClinVar variation 476888 (VCV000476888.8), dbSNP rs1554121725, ClinGen allele CA361668171.
Genomic context (GRCh38, chr5:149,028,135, plus strand): 5'-CCTCGAAGTACACCCTGGCCTGAGAGAGTTTGACCTTCCTGATGCTCAGCCGGCCCAGGA[G>A]GAAGCAGAGACGGGCATGGGCCCAGGTCATGTGGCTCTTCTTGGCCCACTTTCTTGATGC-3'
Protein context (NP_078853.2, residues 523-543): MTWAHARLCF[Leu533Phe]LGRLSIRKVK